The following is an entry in ClinVar:

NM_002485.5(NBN):c.477dup (p.Lys160Ter)

Gene: NBN (nibrin; minus strand). Cytogenetic location: 8q21.3.
Variant type: Duplication.
Coding change: c.477dup on transcript NM_002485.5 (MANE Select); coding-DNA position 477, one base duplicated (T; older notation c.477dupT).
Protein change: p.Lys160Ter; replaces lysine 160 with a stop codon.
Molecular consequence: nonsense.
Genome position (GRCh38, 1-based): chr8:89,980,737, A duplicated on the plus strand (T on the coding strand, the reverse complement: NBN is on the minus strand); the first of 2 consecutive A bases (chr8:89,980,737-89,980,738); duplicating either gives the same sequence. VCF-style (leftmost placement, unchanged base first): chr8-89980736-T-TA. GRCh37 (hg19) VCF-style: chr8-90992964-T-TA.
Other names: c.477dupT (NM_002485.4); c.231dup, p.Lys78Ter (NM_001024688.3); short protein forms K78*, K160*.
Identifiers: ClinVar variation 546048 (VCV000546048.4), dbSNP rs1554567847, ClinGen allele CA658823272.
Genomic context (GRCh38, chr8:89,980,736, plus strand): 5'-GGGTAAGCTTAAATTCAAATAACTTATTTTTAACATAAGAACAAGACATTCAACCTACTT[T>TA]AATGGTAACTTTCACTGATACCATGACAAGGTGAGTGCATTCTTCTGTCCAATTGTTTAC-3'

ClinVar aggregate classification (germline): Likely pathogenic (1 of 4 stars; one submission).

Submission:

GeneDx
Classification: Likely pathogenic. Last evaluated: 2021-11-10. Review status: criteria provided, single submitter. Criteria: GeneDx Variant Classification Process June 2021. Collection method: clinical testing. Allele origin: germline. Affected: yes.
Comment: Nonsense variant predicted to result in protein truncation or nonsense mediated decay in a gene for which loss-of-function is a known mechanism of disease; Not observed at significant frequency in large population cohorts (Lek et al., 2016); Has not been previously published as pathogenic or benign to our knowledge